The following is an entry in ClinVar:

NM_005198.5(CHKB):c.220G>A (p.Val74Met)

Genes: CHKB-CPT1B (CHKB-CPT1B readthrough (NMD candidate); minus strand), CHKB (choline kinase beta; minus strand). Cytogenetic location: 22q13.33.
Variant type: single nucleotide variant.
Coding change: c.220G>A on transcript NM_005198.5 (MANE Select); coding-DNA position 220, G replaced by A.
Protein change: p.Val74Met; replaces valine 74 with methionine.
Molecular consequence: missense variant. On other transcripts: non-coding transcript variant (1).
Genome position (GRCh38, 1-based): chr22:50,582,562, C>T on the plus strand (G>A on the coding strand, the complement: CHKB is on the minus strand). VCF-style: chr22-50582562-C-T. GRCh37 (hg19) VCF-style: chr22-51020991-C-T.
Other names: short protein forms V74M.
Identifiers: ClinVar variation 962023 (VCV000962023.10), dbSNP rs758217425, ClinGen allele CA10323880.
Genomic context (GRCh38, chr22:50,582,562, plus strand): 5'-CGGCTGACCCCTGACCCCGATCCGCGCACCGGAGAGGCTGACCCCTGACCTCCCACCTCA[C>T]GGGGTAAACCCTCAGCTCCTCGGGCTGCACTCGGCGCCAGGCCCCGCCCAAGTACTCCCG-3'
Protein context (NP_005189.2, residues 64-84): VQPEELRVYP[Val74Met]SGGLSNLLFR

ClinVar aggregate classification (germline): Uncertain significance (1 of 4 stars; one submission).

Conditions:
Megaconial type congenital muscular dystrophy (MDCMC). Also called: CHKB-Related Muscular Dystrophy; CHKB-Related Muscle Diseases; MUSCULAR DYSTROPHY, CONGENITAL, WITH MITOCHONDRIAL STRUCTURAL ABNORMALITIES. Identifiers: Orphanet 280671, MedGen C1865233, MONDO:0011246, OMIM 602541.

Allele frequency attached by ClinVar (database versions not stated): TOPMed 0.00001.
gnomAD v4.1: 19 of 1,607,278 alleles (0.0012%); highest among the groups gnomAD compares: South Asian, 0.02%; 1 homozygote.

Submission:

Labcorp Genetics (formerly Invitae), Labcorp
Classification: Uncertain significance for Megaconial type congenital muscular dystrophy. Last evaluated: 2022-07-11. Review status: criteria provided, single submitter. Criteria: Invitae Variant Classification Sherloc (09022015). Collection method: clinical testing. Allele origin: germline.
Comment: This sequence change replaces valine, which is neutral and non-polar, with methionine, which is neutral and non-polar, at codon 74 of the CHKB protein (p.Val74Met). This variant is present in population databases (rs758217425, gnomAD 0.02%). This variant has not been reported in the literature in individuals affected with CHKB-related conditions. ClinVar contains an entry for this variant (Variation ID: 962023). Algorithms developed to predict the effect of missense changes on protein structure and function are either unavailable or do not agree on the potential impact of this missense change (SIFT: "Deleterious"; PolyPhen-2: "Possibly Damaging"; Align-GVGD: "Class C0"). In summary, the available evidence is currently insufficient to determine the role of this variant in disease. Therefore, it has been classified as a Variant of Uncertain Significance.